The following is an entry in ClinVar:

NM_002230.4(JUP):c.626T>A (p.Leu209Gln)

Gene: JUP (junction plakoglobin; minus strand). Cytogenetic location: 17q21.2.
Variant type: single nucleotide variant.
Coding change: c.626T>A on transcript NM_002230.4 (MANE Select); coding-DNA position 626, T replaced by A.
Protein change: p.Leu209Gln; replaces leucine 209 with glutamine.
Molecular consequence: missense variant.
Genome position (GRCh38, 1-based): chr17:41,769,050, A>T on the plus strand (T>A on the coding strand, the complement: JUP is on the minus strand). VCF-style: chr17-41769050-A-T. GRCh37 (hg19) VCF-style: chr17-39925302-A-T.
Other names: c.626T>A, p.Leu209Gln (NM_001352773.2, NM_001352774.2, NM_001352775.2 and 3 more transcripts); short protein forms L209Q.
Identifiers: ClinVar variation 2949923 (VCV002949923.3), dbSNP rs2544180664, ClinGen allele CA399502867.

ClinVar aggregate classification (germline): Uncertain significance (1 of 4 stars; one submission).

Conditions:
Arrhythmogenic right ventricular dysplasia 12. Also called: ARRHYTHMOGENIC RIGHT VENTRICULAR DYSPLASIA, FAMILIAL, 12. Identifiers: MedGen C1969081, MONDO:0012684, OMIM 611528.
Naxos disease (NXD). Also called: KERATOSIS PALMOPLANTARIS WITH ARRHYTHMOGENIC CARDIOMYOPATHY; MAL DE NAXOS; PALMOPLANTAR KERATODERMA WITH ARRHYTHMOGENIC RIGHT VENTRICULAR CARDIOMYOPATHY AND WOOLLY HAIR; WOOLLY HAIR, PALMOPLANTAR KERATODERMA, AND CARDIAC ABNORMALITIES; CARDIOMYOPATHY, ARRHYTHMOGENIC RIGHT VENTRICULAR, WITH SKIN, HAIR, AND NAIL ABNORMALITIES. Identifiers: Orphanet 34217, MedGen C1832600, MONDO:0011017, OMIM 601214.

Submission:

Labcorp Genetics (formerly Invitae), Labcorp
Classification: Uncertain significance for Arrhythmogenic right ventricular dysplasia 12; Naxos disease. Last evaluated: 2023-07-16. Review status: criteria provided, single submitter. Criteria: Invitae Variant Classification Sherloc (09022015). Collection method: clinical testing. Allele origin: germline.
Comment: In summary, the available evidence is currently insufficient to determine the role of this variant in disease. Therefore, it has been classified as a Variant of Uncertain Significance. An algorithm developed to predict the effect of missense changes on protein structure and function (PolyPhen-2) suggests that this variant is likely to be disruptive. This variant has not been reported in the literature in individuals affected with JUP-related conditions. This variant is not present in population databases (gnomAD no frequency). This sequence change replaces leucine, which is neutral and non-polar, with glutamine, which is neutral and polar, at codon 209 of the JUP protein (p.Leu209Gln).